The following is an entry in ClinVar:

NM_194248.3(OTOF):c.898-6C>A

Gene: OTOF (otoferlin; minus strand). Cytogenetic location: 2p23.3.
Variant type: single nucleotide variant.
Coding change: c.898-6C>A on transcript NM_194248.3 (MANE Select); 6 bases into the intron before coding-DNA position 898, C replaced by A.
Molecular consequence: intron variant.
Genome position (GRCh38, 1-based): chr2:26,489,746, G>T on the plus strand (C>A on the coding strand, the complement: OTOF is on the minus strand). VCF-style: chr2-26489746-G-T. GRCh37 (hg19) VCF-style: chr2-26712614-G-T.
Other names: c.898-6C>A (NM_001287489.2).
Identifiers: ClinVar variation 164876 (VCV000164876.11), dbSNP rs199687628, ClinGen allele CA177568.

ClinVar aggregate classification (germline): Uncertain significance. Review status: criteria provided, multiple submitters, no conflicts (2 of 4 stars). 4 submissions from 4 submitters: Uncertain significance (4). Last evaluated 2025-11-30.

Conditions:
OTOF-related disorder. Also called: OTOF-related condition.

Allele frequency attached by ClinVar (database versions not stated): TOPMed 0.00009; 1000 Genomes Project 0.00020; 1000 Genomes Project 30x 0.00031.
gnomAD v4.1: 233 of 1,610,876 alleles (0.014%); highest among the groups gnomAD compares: Admixed American, 0.022%; no homozygotes.

Submissions (4):

PreventionGenetics, part of Exact Sciences
Classification: Uncertain significance for OTOF-related condition. Last evaluated: 2025-11-30. Review status: criteria provided, single submitter. Criteria: ACMG Guidelines, 2015. Collection method: clinical testing. Allele origin: germline.
Comment: The OTOF c.898-6C>A variant is predicted to interfere with splicing. This variant is predicted to alter splicing based on available splicing prediction software (SpliceAI, Jaganathan et al. 2019. PubMed ID: 30661751). However, the use of computer prediction softwares is not equivalent to functional evidence. To our knowledge, this variant has not been reported in the literature. This variant is reported in 0.026% of alleles in individuals of Latino descent in gnomAD. At this time, the clinical significance of this variant is uncertain due to the absence of conclusive functional and genetic evidence.

Labcorp Genetics (formerly Invitae), Labcorp
Classification: Uncertain significance. Last evaluated: 2022-08-10. Review status: criteria provided, single submitter. Criteria: Invitae Variant Classification Sherloc (09022015). Collection method: clinical testing. Allele origin: germline.
Comment: This sequence change falls in intron 9 of the OTOF gene. It does not directly change the encoded amino acid sequence of the OTOF protein. This variant is present in population databases (rs199687628, gnomAD 0.03%). This variant has not been reported in the literature in individuals affected with OTOF-related conditions. ClinVar contains an entry for this variant (Variation ID: 164876). Algorithms developed to predict the effect of sequence changes on RNA splicing suggest that this variant may disrupt the consensus splice site. In summary, the available evidence is currently insufficient to determine the role of this variant in disease. Therefore, it has been classified as a Variant of Uncertain Significance.

GeneDx
Classification: Uncertain significance. Last evaluated: 2021-03-22. Review status: criteria provided, single submitter. Criteria: GeneDx Variant Classification Process June 2021. Collection method: clinical testing. Allele origin: germline. Affected: yes.
Comment: In silico analysis supports a deleterious effect on splicing; Has not been previously published as pathogenic or benign to our knowledge

Laboratory for Molecular Medicine, Mass General Brigham Personalized Medicine
Classification: Uncertain significance. Last evaluated: 2015-05-05. Review status: criteria provided, single submitter. Criteria: LMM Criteria. Collection method: clinical testing. Allele origin: germline. Observed: 2 variant alleles.
Comment: The c.898-6C>A variant in OTOF has not been previously identified in individuals with hearing loss or auditory neuropathy. It has also been identified in 4/1145 4 of Latino chromosomes by the Exome Aggregation Consortium (ExAC; dbSNP rs199687628). This variant is located in the 3' splice region. Computational tools do not suggest an impact to splicing. However, this information is not predictive enough to rule out pathogenicity. In summary, the clinical significance of the c.898-6C>A variant is uncertain.